The following is an entry in ClinVar:

NM_020987.5(ANK3):c.8555T>C (p.Phe2852Ser)

Gene: ANK3 (ankyrin 3; minus strand). Cytogenetic location: 10q21.2.
Variant type: single nucleotide variant.
Coding change: c.8555T>C on transcript NM_020987.5 (MANE Select); coding-DNA position 8555, T replaced by C.
Protein change: p.Phe2852Ser; replaces phenylalanine 2852 with serine.
Molecular consequence: missense variant. On other transcripts: intron variant (4).
Genome position (GRCh38, 1-based): chr10:60,072,326, A>G on the plus strand (T>C on the coding strand, the complement: ANK3 is on the minus strand). VCF-style: chr10-60072326-A-G. GRCh37 (hg19) VCF-style: chr10-61832084-A-G.
Other names: c.8555T>C (NM_020987.3); c.4388-4317T>C (NM_001204403.2); c.4409-4317T>C (NM_001204404.2); c.4406-4317T>C (NM_001320874.2); c.1808-4317T>C (NM_001149.4); short protein forms F2852S.
Identifiers: ClinVar variation 3648329 (VCV003648329.3).
Genomic context (GRCh38, chr10:60,072,326, plus strand): 5'-TGCGAAAGTTTTTCTTTCTGAGACTTATTGTTAGTGGCTCCCGAACTCTCCCATGTTCTA[A>G]AGACCTTTTTGTCCCATGGTCCCCTAGTTGCTAAATCTGAGGTTATATGACATGCCAAGT-3'
Protein context (NP_066267.2, residues 2842-2862): ATRGPWDKKV[Phe2852Ser]RTWESSGATN

ClinVar aggregate classification (germline): Uncertain significance. Review status: criteria provided, multiple submitters, no conflicts (2 of 4 stars). 2 submissions from 2 submitters: Uncertain significance (2). Last evaluated 2025-04-08.

Conditions:
Inborn genetic diseases. Identifiers: MedGen C0950123, MeSH D030342.

gnomAD v4.1: 34 of 1,613,904 alleles (0.0021%); highest among the groups gnomAD compares: Non-Finnish European, 0.0029%; no homozygotes.

Submissions (2):

Ambry Genetics
Classification: Uncertain significance for Inborn genetic diseases. Last evaluated: 2025-04-08. Review status: criteria provided, single submitter. Criteria: Ambry Variant Classification Scheme 2023. Collection method: clinical testing. Allele origin: germline.

Labcorp Genetics (formerly Invitae), Labcorp
Classification: Uncertain significance. Last evaluated: 2024-06-23. Review status: criteria provided, single submitter. Criteria: Invitae Variant Classification Sherloc (09022015). Collection method: clinical testing. Allele origin: germline.
Comment: This sequence change replaces phenylalanine, which is neutral and non-polar, with serine, which is neutral and polar, at codon 2852 of the ANK3 protein (p.Phe2852Ser). This variant is not present in population databases (gnomAD no frequency). This variant has not been reported in the literature in individuals affected with ANK3-related conditions. Advanced modeling of protein sequence and biophysical properties (such as structural, functional, and spatial information, amino acid conservation, physicochemical variation, residue mobility, and thermodynamic stability) performed at Invitae indicates that this missense variant is not expected to disrupt ANK3 protein function with a negative predictive value of 80%. In summary, the available evidence is currently insufficient to determine the role of this variant in disease. Therefore, it has been classified as a Variant of Uncertain Significance.